The following is an entry in ClinVar:

NM_153717.3(EVC):c.801+2T>C

Gene: EVC (EvC ciliary complex subunit 1; plus strand). Cytogenetic location: 4p16.2.
Variant type: single nucleotide variant.
Coding change: c.801+2T>C on transcript NM_153717.3 (MANE Select); the canonical splice donor site of the intron after coding-DNA position 801, T replaced by C.
Molecular consequence: splice donor variant.
Genome position (GRCh38, 1-based): chr4:5,741,816, T>C. VCF-style: chr4-5741816-T-C. GRCh37 (hg19) VCF-style: chr4-5743543-T-C.
Other names: c.801+2T>C (NM_001306090.2, NM_001306092.2).
Identifiers: ClinVar variation 2944204 (VCV002944204.3), dbSNP rs1553871866, ClinGen allele CA356147864.

ClinVar aggregate classification (germline): Likely pathogenic (1 of 4 stars; one submission).

Conditions:
Curry-Hall syndrome (WAD). Also called: WEYERS ACRODENTAL DYSOSTOSIS. Identifiers: Orphanet 952, MedGen C0457013, MONDO:0008673, OMIM 193530.
Ellis-van Creveld syndrome (EVC). Also called: EVC-Related Ellis-van Creveld Syndrome; EVC2-Related Ellis-van Creveld Syndrome; MESOECTODERMAL DYSPLASIA; Chondroectodermal dysplasia. Identifiers: Orphanet 289, MedGen C0013903, MONDO:0009162, OMIM 225500.

Submission:

Labcorp Genetics (formerly Invitae), Labcorp
Classification: Likely pathogenic for Curry-Hall syndrome; Ellis-van Creveld syndrome. Last evaluated: 2023-11-06. Review status: criteria provided, single submitter. Criteria: Invitae Variant Classification Sherloc (09022015). Collection method: clinical testing. Allele origin: germline.
Comment: This sequence change affects a donor splice site in intron 6 of the EVC gene. It is expected to disrupt RNA splicing. Variants that disrupt the donor or acceptor splice site typically lead to a loss of protein function (PMID: 16199547), and loss-of-function variants in EVC are known to be pathogenic (PMID: 23220543). This variant is not present in population databases (gnomAD no frequency). Disruption of this splice site has been observed in individual(s) with Ellis van-Creveld syndrome (PMID: 23220543). Algorithms developed to predict the effect of sequence changes on RNA splicing suggest that this variant may disrupt the consensus splice site. In summary, the currently available evidence indicates that the variant is pathogenic, but additional data are needed to prove that conclusively. Therefore, this variant has been classified as Likely Pathogenic.

Literature cited by the submitters: PubMed 16199547; PubMed 23220543.